The following is an entry in ClinVar:

NM_007294.4(BRCA1):c.581C>T (p.Ala194Val)

Gene: BRCA1 (BRCA1 DNA repair associated; minus strand). Cytogenetic location: 17q21.31.
Variant type: single nucleotide variant.
Coding change: c.581C>T on transcript NM_007294.4 (MANE Select); coding-DNA position 581, C replaced by T.
Protein change: p.Ala194Val; replaces alanine 194 with valine.
Molecular consequence: missense variant. On other transcripts: non-coding transcript variant (1).
Genome position (GRCh38, 1-based): chr17:43,097,256, G>A on the plus strand (C>T on the coding strand, the complement: BRCA1 is on the minus strand). VCF-style: chr17-43097256-G-A. GRCh37 (hg19) VCF-style: chr17-41249273-G-A.
Other names: c.368C>T, p.Ala123Val (NM_001407571.1, NM_001407853.1, NM_001407894.1 and 12 more transcripts); c.581C>T, p.Ala194Val (NM_001407581.1, NM_001407582.1, NM_001407583.1 and 59 more transcripts); c.578C>T, p.Ala193Val (NM_001407587.1, NM_001407590.1, NM_001407591.1 and 41 more transcripts); c.572C>T, p.Ala191Val (NM_001407646.1, NM_001407647.1, NM_001408408.1); c.503C>T, p.Ala168Val (NM_001407653.1, NM_001407654.1, NM_001407655.1 and 9 more transcripts); c.500C>T, p.Ala167Val (NM_001407659.1, NM_001407660.1, NM_001407661.1 and 3 more transcripts); c.440C>T, p.Ala147Val (NM_001407692.1, NM_001407694.1, NM_001407695.1 and 43 more transcripts); c.437C>T, p.Ala146Val (NM_001407740.1, NM_001407741.1, NM_001407742.1 and 26 more transcripts); and 4 more; short protein forms A194V, A147V, A124V, A146V, A149V, A167V, A66V, A67V.
Identifiers: ClinVar variation 858239 (VCV000858239.21), dbSNP rs2054177836, ClinGen allele CA10600959.
Genomic context (GRCh38, chr17:43,097,256, plus strand): 5'-TAAATAGGAAAATACCAGCTTCATAGACAAAGGTTCTCTTTGACTCACCTGCAATAAGTT[G>A]CCTTATTAACGGTATCTTCAGAAGAATCAGATCCTAAAAAATTTCCCCCCAAAAAATAAA-3'
Protein context (NP_009225.1, residues 184-204): SDSSEDTVNK[Ala194Val]TYCSVGDQEL

ClinVar aggregate classification (germline): Uncertain significance. Review status: criteria provided, multiple submitters, no conflicts (2 of 4 stars). 4 submissions from 4 submitters: Uncertain significance (4). Last evaluated 2024-03-20.

Conditions:
Hereditary breast ovarian cancer syndrome. Also called: Hereditary breast and/or ovarian cancer syndrome; BRCA1- and BRCA2-Associated Hereditary Breast and Ovarian Cancer; Hereditary breast and ovarian cancer syndrome; Hereditary breast and ovarian cancer; Hereditary breast and ovarian cancer syndrome (HBOC); Breast and ovarian cancer. Identifiers: Orphanet 145, MedGen C0677776, MeSH D061325, MONDO:0003582. Disease mechanism: loss of function.
Breast-ovarian cancer, familial, susceptibility to, 1 (BROVCA1). Also called: BRCA1 Hereditary Breast and Ovarian Cancer; OVARIAN CANCER, SUSCEPTIBILITY TO. Identifiers: Orphanet 145, MedGen C2676676, MONDO:0011450, OMIM 604370. Disease mechanism: loss of function.
Hereditary cancer-predisposing syndrome. Also called: Tumor predisposition; Hereditary Cancer Syndrome; Hereditary neoplastic syndrome; Neoplastic Syndromes, Hereditary. Identifiers: Orphanet 140162, MedGen C0027672, MeSH D009386, MONDO:0015356.

Submissions (4):

Labcorp Genetics (formerly Invitae), Labcorp
Classification: Uncertain significance for Hereditary breast ovarian cancer syndrome. Last evaluated: 2024-03-20. Review status: criteria provided, single submitter. Criteria: Invitae Variant Classification Sherloc (09022015). Collection method: clinical testing. Allele origin: germline.
Comment: This sequence change replaces alanine, which is neutral and non-polar, with valine, which is neutral and non-polar, at codon 194 of the BRCA1 protein (p.Ala194Val). This variant is not present in population databases (gnomAD no frequency). This missense change has been observed in individual(s) with breast cancer (PMID: 26884819). ClinVar contains an entry for this variant (Variation ID: 858239). Advanced modeling of protein sequence and biophysical properties (such as structural, functional, and spatial information, amino acid conservation, physicochemical variation, residue mobility, and thermodynamic stability) performed at Invitae indicates that this missense variant is not expected to disrupt BRCA1 protein function with a negative predictive value of 95%. Studies have shown this missense change is associated with skipping of exon 8 and/or 9, but one or more of the resulting mRNA isoform(s) may be naturally occurring (PMID: 26884819; Invitae). In summary, the available evidence is currently insufficient to determine the role of this variant in disease. Therefore, it has been classified as a Variant of Uncertain Significance.

Ambry Genetics
Classification: Uncertain significance for Hereditary cancer-predisposing syndrome. Last evaluated: 2023-08-17. Review status: criteria provided, single submitter. Criteria: Ambry Variant Classification Scheme 2023. Collection method: clinical testing. Allele origin: germline.
Comment: The p.A194V variant (also known as c.581C>T), located in coding exon 7 of the BRCA1 gene, results from a C to T substitution at nucleotide position 581. The alanine at codon 194 is replaced by valine, an amino acid with similar properties. This alteration was identified in an individual diagnosed with breast cancer (Wong-Brown M et al. Hered Cancer Clin Pract, 2016 Feb;14:6). This amino acid position is not well conserved in available vertebrate species. In addition, this alteration is predicted to be deleterious by in silico analysis. Since supporting evidence is limited at this time, the clinical significance of this alteration remains unclear.

All of Us Research Program, National Institutes of Health
Classification: Uncertain significance for Breast-ovarian cancer, familial, susceptibility to, 1. Last evaluated: 2023-07-19. Review status: criteria provided, single submitter. Criteria: ACMG Guidelines, 2015. Collection method: clinical testing. Allele origin: germline. Inheritance: Autosomal dominant inheritance. Observed: 1 variant allele, 1 heterozygote.
Comment: This missense variant replaces alanine with valine at codon 194 of the BRCA1 protein. Computational prediction is inconclusive regarding the impact of this variant on protein structure and function (internally defined REVEL score threshold 0.5 < inconclusive < 0.7, PMID: 27666373). To our knowledge, functional studies have not been reported for this variant. This variant has been detected in two individuals affected with breast cancer (PMID: 26884819; Color internal data). This variant has not been identified in the general population by the Genome Aggregation Database (gnomAD). The available evidence is insufficient to determine the role of this variant in disease conclusively. Therefore, this variant is classified as a Variant of Uncertain Significance.

This study involves interpretation of variants in research participants for the purpose of population health screening. Participant phenotype was not available at the time of variant classification. Additional details can be found in publication PMID: 35346344, PMCID: PMC8962531

Revvity Omics, Revvity
Classification: Uncertain significance. Last evaluated: 2022-09-30. Review status: criteria provided, single submitter. Criteria: ACMG Guidelines, 2015. Collection method: clinical testing. Allele origin: germline.

Literature cited by the submitters: PubMed 26884819 (cited by 3 submitters).